The following is an entry in ClinVar:

NM_001374828.1(ARID1B):c.1058CCG[3] (p.Ala356_Ala357del)

Gene: ARID1B (AT-rich interaction domain 1B; plus strand). Cytogenetic location: 6q25.3.
Variant type: Microsatellite.
Coding change: c.1058CCG[3] on transcript NM_001374828.1 (MANE Select); three copies in a row of the 3-base unit CCG starting at c.1058; the reference has five copies in a row; two copies, 6 bases deleted.
Protein change: p.Ala356_Ala357del.
Molecular consequence: inframe deletion. On other transcripts: inframe indel (3).
Genome position (GRCh38, 1-based): chr6:156,778,747-156,778,752, CCGCCG deleted; deleting any 6 consecutive bases within chr6:156,778,738-156,778,752 gives the same sequence; the position shown is the placement nearest the transcript's 3' end. VCF-style (leftmost placement, unchanged base first): chr6-156778737-TCCGCCG-T. GRCh37 (hg19) VCF-style: chr6-157099871-TCCGCCG-T.
Other names: c.1067_1072del (NM_001374820.1); c.809_811CCG[3], p.Ala273_Ala274del (NM_001346813.1, NM_020732.3); c.1058CCG[3], p.Ala356_Ala357del (NM_001371656.1, NM_001374820.1, NM_017519.3); c.635_637CCG[3], p.Ala215_Ala216del (NM_175863.2).
Identifiers: ClinVar variation 2200602 (VCV002200602.24), dbSNP rs766956053, ClinGen allele CA571907170.

ClinVar aggregate classification (germline): Conflicting classifications of pathogenicity. Review status: criteria provided, conflicting classifications (1 of 4 stars). 3 submissions from 3 submitters: Uncertain significance (2); Likely benign (1). Last evaluated 2026-01-12.

Submissions (3):

Labcorp Genetics (formerly Invitae), Labcorp
Classification: Uncertain significance. Last evaluated: 2026-01-12. Review status: criteria provided, single submitter. Criteria: Invitae Variant Classification Sherloc (09022015). Collection method: clinical testing. Allele origin: germline.
Comment: This variant, c.818_823del, results in the deletion of 2 amino acid(s) of the ARID1B protein (p.Ala273_Ala274del), but otherwise preserves the integrity of the reading frame. The frequency data for this variant in the population databases is considered unreliable, as metrics indicate poor data quality at this position in the gnomAD database. This variant has not been reported in the literature in individuals affected with ARID1B-related conditions. Experimental studies and prediction algorithms are not available or were not evaluated, and the functional significance of this variant is currently unknown. In summary, the available evidence is currently insufficient to determine the role of this variant in disease. Therefore, it has been classified as a Variant of Uncertain Significance.

CeGaT Center for Human Genetics Tuebingen
Classification: Likely benign. Last evaluated: 2024-10-01. Review status: criteria provided, single submitter. Criteria: CeGaT Center For Human Genetics Tuebingen Variant Classification Criteria Version 2. Collection method: clinical testing. Allele origin: germline. Affected: yes. Observed: 2 variant alleles.
Comment: ARID1B: BP3, BS2

Clinical Genetics Laboratory, Skane University Hospital Lund
Classification: Uncertain significance. Last evaluated: 2022-05-27. Review status: criteria provided, single submitter. Criteria: ACMG Guidelines, 2015. Collection method: clinical testing. Allele origin: germline. Affected: yes.